The following is an entry in ClinVar:

GRCh37/hg19 2p21(chr2:44519680-44543829)x3

Gene: SLC3A1 (solute carrier family 3 member 1; plus strand). Cytogenetic location: 2p21.
Variant type: copy number gain.
Change: copy number 3 (three copies instead of two) of chr2:44,519,680-44,543,829 (24.1 kb, GRCh37 coordinates, 1-based), cytogenetic band 2p21.
Identifiers: ClinVar variation 242849 (VCV000242849.2).

ClinVar aggregate classification (germline): Uncertain significance (1 of 4 stars; one submission).

Submission:

Clinical Genomics Laboratory, Laboratory for Precision Diagnostics, University of Washington
Classification: Uncertain significance. Last evaluated: 2016-03-02. Review status: criteria provided, single submitter. Criteria: Clinical Cytogenomics Laboratory Policy on CNV Interpretation. Collection method: clinical testing. Allele origin: unknown. Affected: yes. Observed: 1 variant allele.

Literature cited by the submitters: PubMed 14531788; PubMed 15635077.